The following is an entry in ClinVar:

NM_198994.3(TGM6):c.1690C>T (p.Pro564Ser)

Gene: TGM6 (transglutaminase 6; plus strand). Cytogenetic location: 20p13.
Variant type: single nucleotide variant.
Coding change: c.1690C>T on transcript NM_198994.3 (MANE Select); coding-DNA position 1690, C replaced by T.
Protein change: p.Pro564Ser; replaces proline 564 with serine.
Molecular consequence: missense variant.
Genome position (GRCh38, 1-based): chr20:2,430,457, C>T. VCF-style: chr20-2430457-C-T. GRCh37 (hg19) VCF-style: chr20-2411103-C-T.
Other names: c.1690C>T, p.Pro564Ser (NM_001254734.2); short protein forms P564S.
Identifiers: ClinVar variation 337936 (VCV000337936.19), dbSNP rs200674917, ClinGen allele CA9732178.

ClinVar aggregate classification (germline): Benign/Likely benign. Review status: criteria provided, multiple submitters, no conflicts (2 of 4 stars). 7 submissions from 7 submitters: Benign (1); Likely benign (5). 1 of the submissions does not count toward it. Last evaluated 2026-01-01.

Conditions:
TGM6-related disorder. Also called: TGM6-related condition.
Spinocerebellar ataxia type 35. Identifiers: Orphanet 276193, MedGen C3888031, MONDO:0013485, OMIM 613908.

Allele frequency attached by ClinVar (database versions not stated): ESP Exome Variant Server 0.00023; ExAC 0.00029; 1000 Genomes Project 30x 0.00031; gnomAD 0.00034 and 0.00036; TOPMed 0.00037; gnomAD exomes 0.00038 and 0.00052; 1000 Genomes Project 0.00040.
gnomAD v4.1: 805 of 1,614,146 alleles (0.05%); highest among the groups gnomAD compares: Admixed American, 0.068%; 1 homozygote.

Submissions (7):

CeGaT Center for Human Genetics Tuebingen
Classification: Likely benign. Last evaluated: 2026-01-01. Review status: criteria provided, single submitter. Criteria: CeGaT Center For Human Genetics Tuebingen Variant Classification Criteria Version 2. Collection method: clinical testing. Allele origin: germline. Affected: yes. Observed: 1 variant allele.
Comment: TGM6: BP4

Labcorp Genetics (formerly Invitae), Labcorp
Classification: Likely benign. Last evaluated: 2025-11-25. Review status: criteria provided, single submitter. Criteria: Invitae Variant Classification Sherloc (09022015). Collection method: clinical testing. Allele origin: germline.

Athena Diagnostics
Classification: Benign. Last evaluated: 2025-01-07. Review status: criteria provided, single submitter. Criteria: Athena Diagnostics Criteria. Collection method: clinical testing. Allele origin: unknown.
Comment: The frequency of this variant in the general population is higher than would generally be expected for pathogenic variants in this gene. Computational tools predict this amino acid change may be benign. This variant has been seen where an alternate explanation for disease was also identified.

Blueprint Genetics
Classification: Likely benign. Last evaluated: 2024-09-24. Review status: criteria provided, single submitter. Criteria: ACMG Guidelines, 2015. Collection method: clinical testing. Allele origin: germline.

Illumina Laboratory Services, Illumina
Classification: Likely benign for Spinocerebellar ataxia type 35. Last evaluated: 2018-01-12. Review status: criteria provided, single submitter. Criteria: ICSL Variant Classification Criteria 13 December 2019. Collection method: clinical testing. Allele origin: germline.
Comment: This variant was observed in the ICSL laboratory as part of a predisposition screen in an ostensibly healthy population. It had not been previously curated by ICSL or reported in the Human Gene Mutation Database (HGMD: prior to June 1st, 2018), and was therefore a candidate for classification through an automated scoring system. Utilizing variant allele frequency, disease prevalence and penetrance estimates, and inheritance mode, an automated score was calculated to assess if this variant is too frequent to cause the disease. Based on the score and internal cut-off values, a variant classified as likely benign is not then subjected to further curation. The score for this variant resulted in a classification of likely benign for this disease.

Breakthrough Genomics
Classification: Likely benign. Review status: criteria provided, single submitter. Criteria: ACMG Guidelines, 2015. Collection method: not provided. Allele origin: germline. Inheritance: Autosomal dominant inheritance. Affected: yes.

PreventionGenetics, part of Exact Sciences
Classification: Likely benign for TGM6-related condition. Last evaluated: 2023-07-03. Review status: no assertion criteria provided. Collection method: clinical testing. Allele origin: germline. Not counted in ClinVar's aggregate classification.
Comment: This variant is classified as likely benign based on ACMG/AMP sequence variant interpretation guidelines (Richards et al. 2015 PMID: 25741868, with internal and published modifications).

Literature cited by the submitters: PubMed 33378849 (cited by Athena Diagnostics); PubMed 27965395 (cited by Athena Diagnostics).